The following is an entry in ClinVar:

ClinVar aggregate classification (germline): Uncertain significance. Review status: criteria provided, multiple submitters, no conflicts (2 of 4 stars). 2 submissions from 2 submitters: Uncertain significance (2). Last evaluated 2025-10-05.

Conditions:
Inborn genetic diseases. Identifiers: MedGen C0950123, MeSH D030342.

Allele frequency attached by ClinVar (database versions not stated): gnomAD exomes below 0.00001; gnomAD 0.00002; TOPMed 0.00002.
gnomAD v4.1: 6 of 1,612,442 alleles (0.00037%); highest among the groups gnomAD compares: African/African-American, 0.0067%; no homozygotes.

Submissions (2):

Labcorp Genetics (formerly Invitae), Labcorp
Classification: Uncertain significance. Last evaluated: 2025-10-05. Review status: criteria provided, single submitter. Criteria: Invitae Variant Classification Sherloc (09022015). Collection method: clinical testing. Allele origin: germline.
Comment: This sequence change replaces threonine, which is neutral and polar, with alanine, which is neutral and non-polar, at codon 1203 of the FLNB protein (p.Thr1203Ala). This variant is not present in population databases (gnomAD no frequency). This variant has not been reported in the literature in individuals affected with FLNB-related conditions. ClinVar contains an entry for this variant (Variation ID: 2235775). Invitae Evidence Modeling of protein sequence and biophysical properties (such as structural, functional, and spatial information, amino acid conservation, physicochemical variation, residue mobility, and thermodynamic stability) indicates that this missense variant is not expected to disrupt FLNB protein function with a negative predictive value of 95%. In summary, the available evidence is currently insufficient to determine the role of this variant in disease. Therefore, it has been classified as a Variant of Uncertain Significance.

Ambry Genetics
Classification: Uncertain significance for Inborn genetic diseases. Last evaluated: 2021-07-09. Review status: criteria provided, single submitter. Criteria: Ambry Variant Classification Scheme 2023. Collection method: clinical testing. Allele origin: germline.

NM_001457.4(FLNB):c.3607A>G (p.Thr1203Ala)

Gene: FLNB (filamin B; plus strand). Cytogenetic location: 3p14.3.
Variant type: single nucleotide variant.
Coding change: c.3607A>G on transcript NM_001457.4 (MANE Select); coding-DNA position 3607, A replaced by G.
Protein change: p.Thr1203Ala; replaces threonine 1203 with alanine.
Molecular consequence: missense variant.
Genome position (GRCh38, 1-based): chr3:58,123,573, A>G. VCF-style: chr3-58123573-A-G. GRCh37 (hg19) VCF-style: chr3-58109300-A-G.
Other names: c.3607A>G, p.Thr1203Ala (NM_001164317.2, NM_001164318.2, NM_001164319.2); short protein forms T1203A.
Identifiers: ClinVar variation 2235775 (VCV002235775.3), dbSNP rs921714937, ClinGen allele CA75447664.